The following is an entry in ClinVar:

NM_003482.4(KMT2D):c.81dup (p.Ala28fs)

Gene: KMT2D (lysine methyltransferase 2D; minus strand). Cytogenetic location: 12q13.12.
Variant type: Duplication.
Coding change: c.81dup on transcript NM_003482.4 (MANE Select); coding-DNA position 81, one base duplicated (T; older notation c.81dupT).
Protein change: p.Ala28fs; shifts the reading frame from alanine 28.
Molecular consequence: frameshift variant.
Genome position (GRCh38, 1-based): chr12:49,054,995, A duplicated on the plus strand (T on the coding strand, the reverse complement: KMT2D is on the minus strand). VCF-style (leftmost placement, unchanged base first): chr12-49054994-C-CA. GRCh37 (hg19) VCF-style: chr12-49448777-C-CA.
Other names: short protein forms A28fs.
Identifiers: ClinVar variation 2022594 (VCV002022594.4), dbSNP rs2498473176, ClinGen allele CA2580086334.

ClinVar aggregate classification (germline): Pathogenic (1 of 4 stars; one submission).

Conditions:
Kabuki syndrome. Also called: Kabuki make-up syndrome; NIIKAWA-KUROKI SYNDROME. Identifiers: Orphanet 2322, MedGen C0796004, MONDO:0016512.

Submission:

Labcorp Genetics (formerly Invitae), Labcorp
Classification: Pathogenic for Kabuki syndrome. Last evaluated: 2022-08-07. Review status: criteria provided, single submitter. Criteria: Invitae Variant Classification Sherloc (09022015). Collection method: clinical testing. Allele origin: germline.
Comment: For these reasons, this variant has been classified as Pathogenic. This variant has not been reported in the literature in individuals affected with KMT2D-related conditions. This variant is not present in population databases (gnomAD no frequency). This sequence change creates a premature translational stop signal (p.Ala28Cysfs*3) in the KMT2D gene. It is expected to result in an absent or disrupted protein product. Loss-of-function variants in KMT2D are known to be pathogenic (PMID: 22126750).

Literature cited by the submitters: PubMed 22126750.